The following is an entry in ClinVar:

ClinVar aggregate classification (germline): Conflicting classifications of pathogenicity. Review status: criteria provided, conflicting classifications (1 of 4 stars). 3 submissions from 3 submitters: Likely pathogenic (1); Uncertain significance (2). Last evaluated 2025-11-10.

Conditions:
Inborn genetic diseases. Identifiers: MedGen C0950123, MeSH D030342.
MORM syndrome (MORMS). Identifiers: Orphanet 75858, MedGen C1857802, MONDO:0012423, OMIM 610156.
Joubert syndrome. Also called: Familial aplasia of the vermis; CEREBELLOPARENCHYMAL DISORDER IV; JOUBERT-BOLTSHAUSER SYNDROME. Identifiers: Orphanet 475, MedGen C5979921, MONDO:0018772.

Allele frequency attached by ClinVar (database versions not stated): TOPMed below 0.00001; gnomAD 0.00001; gnomAD exomes 0.00001 and 0.00002; ExAC 0.00005; ESP Exome Variant Server 0.00008.

Submissions (3):

Labcorp Genetics (formerly Invitae), Labcorp
Classification: Uncertain significance for Joubert syndrome. Last evaluated: 2025-11-10. Review status: criteria provided, single submitter. Criteria: Invitae Variant Classification Sherloc (09022015). Collection method: clinical testing. Allele origin: germline.
Comment: This sequence change replaces arginine, which is basic and polar, with cysteine, which is neutral and slightly polar, at codon 563 of the INPP5E protein (p.Arg563Cys). The frequency data for this variant in the population databases is considered unreliable, as metrics indicate poor data quality at this position in the gnomAD database. This missense change has been observed in individual(s) with retinitis pigmentosa (internal data). ClinVar contains an entry for this variant (Variation ID: 985025). Invitae Evidence Modeling of protein sequence and biophysical properties (such as structural, functional, and spatial information, amino acid conservation, physicochemical variation, residue mobility, and thermodynamic stability) indicates that this missense variant is expected to disrupt INPP5E protein function with a positive predictive value of 95%. This variant disrupts the p.Arg563 amino acid residue in INPP5E. Other variant(s) that disrupt this residue have been determined to be pathogenic (PMID: 19668216). This suggests that this residue is clinically significant, and that variants that disrupt this residue are likely to be disease-causing. In summary, the available evidence is currently insufficient to determine the role of this variant in disease. Therefore, it has been classified as a Variant of Uncertain Significance.

3billion
Classification: Uncertain significance for MORM syndrome. Last evaluated: 2023-12-13. Review status: criteria provided, single submitter. Criteria: ACMG Guidelines, 2015. Collection method: clinical testing. Allele origin: germline. Affected: yes.
Comment: The variant is observed at an extremely low frequency in the gnomAD v2.1.1 dataset (total allele frequency: 0.002%). Predicted Consequence/Location: Missense variant In silico tool predictions suggest damaging effect of the variant on gene or gene product [REVEL: 0.84 (>=0.6, sensitivity 0.68 and specificity 0.92); 3Cnet: 0.95 (>=0.6, sensitivity 0.72 and precision 0.9)]. Same nucleotide change resulting in same amino acid change has been previously reported to be associated with INPP5E related disorder (ClinVar ID: VCV000985025). A different missense change at the same codon (p.Arg563His) has been reported to be associated with INPP5E related disorder (ClinVar ID: VCV000000398 /PMID: 19668216). However the evidence of pathogenicity is insufficient at this time. Therefore, this variant is classified as VUS according to the recommendation of ACMG/AMP guideline.

Ambry Genetics
Classification: Likely pathogenic for Inborn genetic diseases. Last evaluated: 2017-12-07. Review status: criteria provided, single submitter. Criteria: Ambry exome assertion method (8-5-2015). Collection method: clinical testing. Allele origin: germline. Affected: yes. Observed: 1 variant allele.

Literature cited by the submitters: PubMed 19668216 (cited by 3 submitters); PubMed 10577920 (cited by Ambry Genetics).

NM_019892.6(INPP5E):c.1687C>T (p.Arg563Cys)

Gene: INPP5E (inositol polyphosphate-5-phosphatase E; minus strand). Cytogenetic location: 9q34.3.
Variant type: single nucleotide variant.
Coding change: c.1687C>T on transcript NM_019892.6 (MANE Select); coding-DNA position 1687, C replaced by T.
Protein change: p.Arg563Cys; replaces arginine 563 with cysteine.
Molecular consequence: missense variant.
Genome position (GRCh38, 1-based): chr9:136,430,392, G>A on the plus strand (C>T on the coding strand, the complement: INPP5E is on the minus strand). VCF-style: chr9-136430392-G-A. GRCh37 (hg19) VCF-style: chr9-139324844-G-A.
Other names: c.1684C>T, p.Arg562Cys (NM_001318502.2); short protein forms R562C, R563C.
Identifiers: ClinVar variation 985025 (VCV000985025.9), dbSNP rs371960390, ClinGen allele CA5336680.